The following is an entry in ClinVar:

ClinVar aggregate classification (germline): Uncertain significance. Review status: criteria provided, multiple submitters, no conflicts (2 of 4 stars). 3 submissions from 3 submitters: Uncertain significance (3). Last evaluated 2025-11-15.

Conditions:
Cardiovascular phenotype. Identifiers: MedGen CN230736.
Congenital primary aphakia. Also called: Anterior segment dysgenesis 2, multiple subtypes; ANTERIOR SEGMENT DYSGENESIS 2. Identifiers: Orphanet 83461, MedGen C1853230, MONDO:0012456, OMIM 610256.
Anterior segment dysgenesis. Also called: Ocular anterior segment dysgenesis. Identifiers: Orphanet 88632, MedGen C1862839, MONDO:0019503, HP:0007700.

Allele frequency attached by ClinVar (database versions not stated): TOPMed below 0.00001; gnomAD 0.00001.

Submissions (3):

Ambry Genetics
Classification: Uncertain significance for Cardiovascular phenotype. Last evaluated: 2025-11-15. Review status: criteria provided, single submitter. Criteria: Ambry Variant Classification Scheme 2023. Collection method: clinical testing. Allele origin: germline.
Comment: The p.P309T variant (also known as c.925C>A), located in coding exon 1 of the FOXE3 gene, results from a C to A substitution at nucleotide position 925. The proline at codon 309 is replaced by threonine, an amino acid with highly similar properties. This amino acid position is conserved. In addition, this alteration is predicted to be tolerated by in silico analysis. Based on the available evidence, the clinical significance of this variant remains unclear.

Labcorp Genetics (formerly Invitae), Labcorp
Classification: Uncertain significance for Anterior segment dysgenesis; Congenital primary aphakia. Last evaluated: 2021-08-30. Review status: criteria provided, single submitter. Criteria: Invitae Variant Classification Sherloc (09022015). Collection method: clinical testing. Allele origin: germline.

GeneDx
Classification: Uncertain significance. Last evaluated: 2017-04-26. Review status: criteria provided, single submitter. Criteria: GeneDx Variant Classification (06012015). Collection method: clinical testing. Allele origin: germline. Affected: yes.
Comment: The P309T variant in the FOXE3 gene has not been reported previously as a pathogenic variant, nor as a benign variant, to our knowledge. This variant is not observed in large population cohorts (Lek et al., 2016; 1000 Genomes Consortium et al., 2015; Exome Variant Server). The P309T variant is a non-conservative amino acid substitution, which is likely to impact secondary protein structure as these residues differ in polarity, charge, size and/or other properties. This substitution occurs at a position that is conserved in mammals. In silico analysis is inconsistent in its predictions as to whether or not the variant is damaging to the protein structure/function. Based on currently available evidence, we interpret P309T as a variant of uncertain significance.

NM_012186.3(FOXE3):c.925C>A (p.Pro309Thr)

Genes: FOXE3 (forkhead box E3; plus strand), LINC01389 (long independently transcribed non-coding RNA 1389; minus strand). Cytogenetic location: 1p33.
Variant type: single nucleotide variant.
Coding change: c.925C>A on transcript NM_012186.3 (MANE Select); coding-DNA position 925, C replaced by A.
Protein change: p.Pro309Thr; replaces proline 309 with threonine.
Molecular consequence: missense variant.
Genome position (GRCh38, 1-based): chr1:47,417,240, C>A. VCF-style: chr1-47417240-C-A. GRCh37 (hg19) VCF-style: chr1-47882912-C-A.
Other names: short protein forms P309T.
Identifiers: ClinVar variation 426214 (VCV000426214.7), dbSNP rs1085307504, ClinGen allele CA340251085.